The following is an entry in ClinVar:

ClinVar aggregate classification (germline): Uncertain significance (1 of 4 stars; one submission).

Conditions:
Optic atrophy 3 (OPA3). Also called: OPTIC ATROPHY 3, AUTOSOMAL DOMINANT; Optic atrophy, cataract, and neurologic disorder; Optic atrophy 3 with cataract. Identifiers: Orphanet 67036, MedGen C1833809, MONDO:0008133, OMIM 165300.
3-Methylglutaconic aciduria type 3 (MGCA3). Also called: OPA3, AUTOSOMAL RECESSIVE; OPTIC ATROPHY 3, AUTOSOMAL RECESSIVE; OPA3-Related 3-Methylglutaconic Aciduria; Costeff Syndrome. Identifiers: Orphanet 67047, MedGen C0574084, MONDO:0009787, OMIM 258501.

Submission:

Labcorp Genetics (formerly Invitae), Labcorp
Classification: Uncertain significance for 3-Methylglutaconic aciduria type 3; Optic atrophy 3. Last evaluated: 2022-05-27. Review status: criteria provided, single submitter. Criteria: Invitae Variant Classification Sherloc (09022015). Collection method: clinical testing. Allele origin: germline.
Comment: This sequence change replaces proline, which is neutral and non-polar, with threonine, which is neutral and polar, at codon 144 of the OPA3 protein (p.Pro144Thr). Information on the frequency of this variant in the gnomAD database is not available, as this variant may be reported differently in the database. This variant has not been reported in the literature in individuals affected with OPA3-related conditions. Experimental studies and prediction algorithms are not available or were not evaluated, and the functional significance of this variant is currently unknown. In summary, the available evidence is currently insufficient to determine the role of this variant in disease. Therefore, it has been classified as a Variant of Uncertain Significance.

NM_025136.4(OPA3):c.429_430delinsAA (p.Pro144Thr)

Genes: OPA3-RTN2 (OPA3-RTN2 readthrough; minus strand), OPA3 (outer mitochondrial membrane lipid metabolism regulator OPA3; minus strand). Cytogenetic location: 19q13.32.
Variant type: Indel.
Coding change: c.429_430delinsAA on transcript NM_025136.4 (MANE Select); coding-DNA positions 429 to 430, GC replaced by AA.
Protein change: p.Pro144Thr; replaces proline 144 with threonine.
Molecular consequence: missense variant. On other transcripts: intron variant (1).
Genome position (GRCh38, 1-based): chr19:45,553,624-45,553,625, GC replaced by TT on the plus strand (GC replaced by AA on the coding strand, the reverse complement: OPA3 is on the minus strand). VCF-style: chr19-45553624-GC-TT. GRCh37 (hg19) VCF-style: chr19-46056882-GC-TT.
Other names: c.143-24169_143-24168delinsAA (NM_001017989.3); short protein forms P144T.
Identifiers: ClinVar variation 1999505 (VCV001999505.4), dbSNP rs2513823506, ClinGen allele CA2580097490.